The following is an entry in ClinVar:

NM_000368.5(TSC1):c.2501del (p.Lys834fs)

Gene: TSC1 (TSC complex subunit 1; minus strand). Cytogenetic location: 9q34.13.
Variant type: Deletion.
Coding change: c.2501del on transcript NM_000368.5 (MANE Select); coding-DNA position 2501, one base deleted (A; older notation c.2501delA).
Protein change: p.Lys834fs; shifts the reading frame from lysine 834.
Molecular consequence: frameshift variant. On other transcripts: non-coding transcript variant (5), intron variant (8).
Genome position (GRCh38, 1-based): chr9:132,901,590, T deleted on the plus strand (A on the coding strand, the reverse complement: TSC1 is on the minus strand); the first of 4 consecutive T bases (chr9:132,901,590-132,901,593); deleting any one gives the same sequence. VCF-style (leftmost placement, unchanged base first): chr9-132901589-CT-C. GRCh37 (hg19) VCF-style: chr9-135776976-CT-C.
Other names: c.2498del, p.Lys833fs (NM_001162426.2, NM_001406597.1, NM_001406598.1 and 2 more transcripts); c.2348del, p.Lys783fs (NM_001162427.2, NM_001406610.1); c.2138del, p.Lys713fs (NM_001362177.2, NM_001406614.1, NM_001406615.1 and 4 more transcripts); c.2501del, p.Lys834fs (NM_001406592.1, NM_001406593.1, NM_001406594.1 and 2 more transcripts); c.2486del, p.Lys829fs (NM_001406601.1, NM_001406602.1); c.2483del, p.Lys828fs (NM_001406603.1, NM_001406604.1); c.2345del, p.Lys782fs (NM_001406611.1, NM_001406612.1); c.2135del, p.Lys712fs (NM_001406620.1, NM_001406621.1, NM_001406622.1 and 1 more transcripts); and 9 more; short protein forms K483fs, K516fs, K828fs, K782fs, K829fs, K517fs, K712fs, K783fs.
Identifiers: ClinVar variation 3462444 (VCV003462444.1).

ClinVar aggregate classification (germline): Pathogenic (1 of 4 stars; one submission).

Conditions:
Hereditary cancer-predisposing syndrome. Also called: Tumor predisposition; Neoplastic Syndromes, Hereditary; Hereditary neoplastic syndrome; Hereditary Cancer Syndrome. Identifiers: Orphanet 140162, MedGen C0027672, MeSH D009386, MONDO:0015356.

Submission:

Ambry Genetics
Classification: Pathogenic for Hereditary cancer-predisposing syndrome. Last evaluated: 2024-07-15. Review status: criteria provided, single submitter. Criteria: Ambry Variant Classification Scheme 2023. Collection method: clinical testing. Allele origin: germline.
Comment: The c.2501delA pathogenic mutation, located in coding exon 17 of the TSC1 gene, results from a deletion of one nucleotide at nucleotide position 2501, causing a translational frameshift with a predicted alternate stop codon (p.K834Sfs*15). This alteration was observed in multiple cohorts undergoing TSC1 and TSC2 genetic testing based on a suspicion of tuberous sclerosis complex (TSC) (Rosengren T et al. Sci Rep, 2020 Jun;10:9909; Meng Y et al. J Hum Genet, 2021 Mar;66:227-236). This variant is considered to be rare based on population cohorts in the Genome Aggregation Database (gnomAD). This alteration is expected to result in loss of function by premature protein truncation or nonsense-mediated mRNA decay. As such, this alteration is interpreted as a disease-causing mutation.

Literature cited by the submitters: PubMed 32555378; PubMed 32917966.